The following is an entry in ClinVar:

NM_201384.3(PLEC):c.4045-169C>T

Gene: PLEC (plectin; minus strand). Cytogenetic location: 8q24.3.
Variant type: single nucleotide variant.
Coding change: c.4045-169C>T on transcript NM_201384.3 (MANE Select); 169 bases into the intron before coding-DNA position 4045, C replaced by T.
Molecular consequence: intron variant.
Genome position (GRCh38, 1-based): chr8:143,926,053, G>A on the plus strand (C>T on the coding strand, the complement: PLEC is on the minus strand). VCF-style: chr8-143926053-G-A. GRCh37 (hg19) VCF-style: chr8-145000221-G-A.
Other names: c.4126-169C>T (NM_000445.5); c.4003-169C>T (NM_201378.4); c.3979-169C>T (NM_201379.3); c.4456-169C>T (NM_201380.4); c.3949-169C>T (NM_201381.3); c.4045-169C>T (NM_201382.4); c.4057-169C>T (NM_201383.3).
Identifiers: ClinVar variation 667911 (VCV000667911.2), dbSNP rs7016860, ClinGen allele CA12780794.

ClinVar aggregate classification (germline): Benign. Review status: criteria provided, multiple submitters, no conflicts (2 of 4 stars). 2 submissions from 2 submitters: Benign (2). Last evaluated 2018-06-19.

Allele frequency attached by ClinVar (database versions not stated): 1000 Genomes Project 30x 0.22923; 1000 Genomes Project 0.23083; TOPMed 0.28434; gnomAD 0.29930 and 0.30114.
gnomAD v4.1: 46,033 of 152,256 alleles (30%); highest among the groups gnomAD compares: Non-Finnish European, 41%; 8,654 homozygotes.

Submissions (2):

GeneDx
Classification: Benign. Last evaluated: 2018-06-19. Review status: criteria provided, single submitter. Criteria: GeneDx Variant Classification (06012015). Collection method: clinical testing. Allele origin: germline. Affected: yes.
Comment: This variant is considered likely benign or benign based on one or more of the following criteria: it is a conservative change, it occurs at a poorly conserved position in the protein, it is predicted to be benign by multiple in silico algorithms, and/or has population frequency not consistent with disease.

Breakthrough Genomics
Classification: Benign. Review status: criteria provided, single submitter. Criteria: ACMG Guidelines, 2015. Collection method: not provided. Allele origin: germline. Inheritance: Autosomal recessive inheritance. Affected: yes.